The following is an entry in ClinVar:

ClinVar aggregate classification (germline): Conflicting classifications of pathogenicity. Review status: criteria provided, conflicting classifications (1 of 4 stars). 5 submissions from 5 submitters: Uncertain significance (2); Likely benign (3). Last evaluated 2025-12-21.

Conditions:
ALDH5A1-related disorder. Also called: ALDH5A1-related condition.
Succinate-semialdehyde dehydrogenase deficiency (SSADHD). Also called: 4-HYDROXYBUTYRIC ACIDURIA; SSADH DEFICIENCY; Succinic Semialdehyde Dehydrogenase Deficiency; GABA METABOLIC DEFECT. Identifiers: Orphanet 22, MedGen C0268631, MONDO:0010083, OMIM 271980.

Allele frequency attached by ClinVar (database versions not stated): ESP Exome Variant Server 0.00077; 1000 Genomes Project 30x 0.00016; ExAC 0.00018; 1000 Genomes Project 0.00020; gnomAD 0.00043 and 0.00047; TOPMed 0.00052.
gnomAD v4.1: 133 of 1,613,802 alleles (0.0082%); highest among the groups gnomAD compares: African/African-American, 0.14%; no homozygotes.

Submissions (5):

Labcorp Genetics (formerly Invitae), Labcorp
Classification: Likely benign for Succinate-semialdehyde dehydrogenase deficiency. Last evaluated: 2025-12-21. Review status: criteria provided, single submitter. Criteria: Invitae Variant Classification Sherloc (09022015). Collection method: clinical testing. Allele origin: germline.

PreventionGenetics, part of Exact Sciences
Classification: Likely benign for ALDH5A1-related condition. Last evaluated: 2025-06-23. Review status: criteria provided, single submitter. Criteria: ACMG Guidelines, 2015. Collection method: clinical testing. Allele origin: germline.
Comment: This variant is classified as likely benign based on ACMG/AMP sequence variant interpretation guidelines (Richards et al. 2015 PMID: 25741868, with internal and published modifications).

GeneDx
Classification: Likely benign. Last evaluated: 2020-10-01. Review status: criteria provided, single submitter. Criteria: GeneDx Variant Classification Process June 2021. Collection method: clinical testing. Allele origin: germline. Affected: yes.

Illumina Laboratory Services, Illumina
Classification: Uncertain significance for Succinate-semialdehyde dehydrogenase deficiency. Last evaluated: 2018-01-13. Review status: criteria provided, single submitter. Criteria: ICSL Variant Classification Criteria 13 December 2019. Collection method: clinical testing. Allele origin: germline.

Eurofins Ntd Llc (ga)
Classification: Uncertain significance. Last evaluated: 2015-10-30. Review status: criteria provided, single submitter. Criteria: EGL Classification Definitions 2015. Collection method: clinical testing. Allele origin: germline. Observed: 1 variant allele, 1 heterozygote.

NM_001080.3(ALDH5A1):c.1107C>T (p.Arg369=)

Gene: ALDH5A1 (aldehyde dehydrogenase 5 family member A1; plus strand). Cytogenetic location: 6p22.3.
Variant type: single nucleotide variant.
Coding change: c.1107C>T on transcript NM_001080.3 (MANE Select); coding-DNA position 1107, C replaced by T.
Protein change: p.Arg369=; no amino-acid change (arginine 369 retained).
Molecular consequence: synonymous variant.
Genome position (GRCh38, 1-based): chr6:24,522,859, C>T. VCF-style: chr6-24522859-C-T. GRCh37 (hg19) VCF-style: chr6-24523087-C-T.
Other names: c.963C>T, p.Arg321= (NM_001368954.1); c.1146C>T, p.Arg382= (NM_170740.1).
Identifiers: ClinVar variation 284207 (VCV000284207.23), dbSNP rs148188703, ClinGen allele CA3656852.